The following is an entry in ClinVar:

NM_014467.3(SRPX2):c.202G>A (p.Glu68Lys)

Gene: SRPX2 (sushi repeat containing protein X-linked 2; plus strand). Cytogenetic location: Xq22.1.
Variant type: single nucleotide variant.
Coding change: c.202G>A on transcript NM_014467.3 (MANE Select); coding-DNA position 202, G replaced by A.
Protein change: p.Glu68Lys; replaces glutamic acid 68 with lysine.
Molecular consequence: missense variant.
Genome position (GRCh38, 1-based): chrX:100,662,214, G>A. VCF-style: chrX-100662214-G-A. GRCh37 (hg19) VCF-style: chrX-99917211-G-A.
Other names: short protein forms E68K.
Identifiers: ClinVar variation 664168 (VCV000664168.9), dbSNP rs747055996, ClinGen allele CA10469444.

ClinVar aggregate classification (germline): Uncertain significance (1 of 4 stars; one submission).

Conditions:
Rolandic epilepsy, impaired intellectual development, and speech dyspraxia, X-linked. Also called: Rolandic epilepsy, intellectual disability, and speech dyspraxia, X-linked; Rolandic epilepsy, impaired intellectual development, and speech dyspraxia. Identifiers: MedGen C1845070, MONDO:0010388, OMIM 300643.

Allele frequency attached by ClinVar (database versions not stated): gnomAD exomes 0.00001; TOPMed 0.00003; ExAC 0.00001; gnomAD 0.00001.
gnomAD v4.1: 10 of 1,209,744 alleles (0.00083%); highest among the groups gnomAD compares: Non-Finnish European, 0.0011%; no homozygotes.

Submission:

Labcorp Genetics (formerly Invitae), Labcorp
Classification: Uncertain significance for Rolandic epilepsy, impaired intellectual development, and speech dyspraxia, X-linked. Last evaluated: 2018-10-01. Review status: criteria provided, single submitter. Criteria: Invitae Variant Classification Sherloc (09022015). Collection method: clinical testing. Allele origin: germline.
Comment: This sequence change replaces glutamic acid with lysine at codon 68 of the SRPX2 protein (p.Glu68Lys). The glutamic acid residue is highly conserved and there is a small physicochemical difference between glutamic acid and lysine. The frequency data for this variant in the population databases is considered unreliable, as metrics indicate poor data quality at this position in the ExAC database. This variant has not been reported in the literature in individuals with SRPX2-related disease. Algorithms developed to predict the effect of missense changes on protein structure and function (SIFT, PolyPhen-2, Align-GVGD) all suggest that this variant is likely to be disruptive, but these predictions have not been confirmed by published functional studies and their clinical significance is uncertain. In summary, the available evidence is currently insufficient to determine the role of this variant in disease. Therefore, it has been classified as a Variant of Uncertain Significance.